The following is an entry in ClinVar:

NM_022047.4(DEF6):c.575G>A (p.Arg192His)

Gene: DEF6 (DEF6 guanine nucleotide exchange factor; plus strand). Cytogenetic location: 6p21.31.
Variant type: single nucleotide variant.
Coding change: c.575G>A on transcript NM_022047.4 (MANE Select); coding-DNA position 575, G replaced by A.
Protein change: p.Arg192His; replaces arginine 192 with histidine.
Molecular consequence: missense variant.
Genome position (GRCh38, 1-based): chr6:35,312,453, G>A. VCF-style: chr6-35312453-G-A. GRCh37 (hg19) VCF-style: chr6-35280230-G-A.
Other names: short protein forms R192H.
Identifiers: ClinVar variation 2134164 (VCV002134164.4), dbSNP rs1043201299, ClinGen allele CA137280179.
Genomic context (GRCh38, chr6:35,312,453, plus strand): 5'-TGGCCCAGACCACCGGGGGGCTCAGCGTCTGGCAGTTCCTGGAGCTCTTCAATTCGGGCC[G>A]CTGCCTGCGGGGCGTGGGCCGGGACACCCTCAGCATGGCCATCCACGAGGTCTACCAGGA-3'
Protein context (NP_071330.3, residues 182-202): WQFLELFNSG[Arg192His]CLRGVGRDTL

ClinVar aggregate classification (germline): Uncertain significance (1 of 4 stars; one submission).

Allele frequency attached by ClinVar (database versions not stated): gnomAD 0.00001; TOPMed 0.00002.
gnomAD v4.1: 8 of 1,614,020 alleles (0.0005%); highest among the groups gnomAD compares: Non-Finnish European, 0.00068%; no homozygotes.

Submission:

Labcorp Genetics (formerly Invitae), Labcorp
Classification: Uncertain significance. Last evaluated: 2022-05-05. Review status: criteria provided, single submitter. Criteria: Invitae Variant Classification Sherloc (09022015). Collection method: clinical testing. Allele origin: germline.
Comment: In summary, the available evidence is currently insufficient to determine the role of this variant in disease. Therefore, it has been classified as a Variant of Uncertain Significance. Algorithms developed to predict the effect of missense changes on protein structure and function are either unavailable or do not agree on the potential impact of this missense change (SIFT: "Deleterious"; PolyPhen-2: "Benign"; Align-GVGD: "Class C0"). This variant has not been reported in the literature in individuals affected with DEF6-related conditions. This variant is not present in population databases (gnomAD no frequency). This sequence change replaces arginine, which is basic and polar, with histidine, which is basic and polar, at codon 192 of the DEF6 protein (p.Arg192His).